The following is an entry in ClinVar:

ClinVar aggregate classification (germline): Likely benign. Review status: criteria provided, single submitter (1 of 4 stars). 2 submissions from 2 submitters: Likely benign (1). 1 of the submissions does not count toward it. Last evaluated 2026-01-05.

Conditions:
KCNQ2-Related Disorders. Also called: KCNQ2-related condition; KCNQ2-related disorder. Identifiers: MedGen CN169299.
Early-infantile DEE. Also called: Early infantile epileptic encephalopathy; Ohtahara syndrome; Early infantile epileptic encephalopathy with suppression bursts. Identifiers: Orphanet 1934, MedGen C0393706, MONDO:0800491.

Allele frequency attached by ClinVar (database versions not stated): gnomAD exomes 0.00001 and 0.00003; gnomAD 0.00007 and 0.00008; ESP Exome Variant Server 0.00008; TOPMed 0.00009.
gnomAD v4.1: 18 of 1,607,270 alleles (0.0011%); highest among the groups gnomAD compares: African/African-American, 0.019%; no homozygotes.

Submissions (2):

Labcorp Genetics (formerly Invitae), Labcorp
Classification: Likely benign for Early-infantile DEE. Last evaluated: 2026-01-05. Review status: criteria provided, single submitter. Criteria: Invitae Variant Classification Sherloc (09022015). Collection method: clinical testing. Allele origin: germline.

PreventionGenetics, part of Exact Sciences
Classification: Likely benign for KCNQ2-related condition. Last evaluated: 2019-04-12. Review status: no assertion criteria provided. Collection method: clinical testing. Allele origin: germline. Not counted in ClinVar's aggregate classification.
Comment: This variant is classified as likely benign based on ACMG/AMP sequence variant interpretation guidelines (Richards et al. 2015 PMID: 25741868, with internal and published modifications).

NM_172107.4(KCNQ2):c.1635C>A (p.Val545=)

Gene: KCNQ2 (potassium voltage-gated channel subfamily Q member 2; minus strand). Cytogenetic location: 20q13.33.
Variant type: single nucleotide variant.
Coding change: c.1635C>A on transcript NM_172107.4 (MANE Select); coding-DNA position 1635, C replaced by A.
Protein change: p.Val545=; no amino-acid change (valine 545 retained).
Molecular consequence: synonymous variant.
Genome position (GRCh38, 1-based): chr20:63,413,578, G>T on the plus strand (C>A on the coding strand, the complement: KCNQ2 is on the minus strand). VCF-style: chr20-63413578-G-T. GRCh37 (hg19) VCF-style: chr20-62044931-G-T.
Other names: c.1635C>A (NM_172107.3); c.1581C>A, p.Val527= (NM_001382235.1, NM_172106.3); c.1551C>A, p.Val517= (NM_004518.6); c.1542C>A, p.Val514= (NM_172108.5).
Identifiers: ClinVar variation 1110128 (VCV001110128.12), dbSNP rs375045009, ClinGen allele CA9958333.